The following is an entry in ClinVar:

ClinVar aggregate classification (germline): Uncertain significance. Review status: criteria provided, multiple submitters, no conflicts (2 of 4 stars). 2 submissions from 2 submitters: Uncertain significance (2). Last evaluated 2025-01-18.

Conditions:
Inborn genetic diseases. Identifiers: MedGen C0950123, MeSH D030342.

gnomAD v4.1: 8 of 1,613,578 alleles (0.0005%); highest among the groups gnomAD compares: African/African-American, 0.0067%; no homozygotes.

Submissions (2):

Ambry Genetics
Classification: Uncertain significance for Inborn genetic diseases. Last evaluated: 2025-01-18. Review status: criteria provided, single submitter. Criteria: Ambry Variant Classification Scheme 2023. Collection method: clinical testing. Allele origin: germline.

Women's Health and Genetics/Laboratory Corporation of America, LabCorp
Classification: Uncertain significance. Last evaluated: 2024-11-13. Review status: criteria provided, single submitter. Criteria: LabCorp Variant Classification Summary - May 2015. Collection method: clinical testing. Allele origin: germline.
Comment: Variant summary: SETD2 c.4969C>A (p.Pro1657Thr) results in a non-conservative amino acid change located in the SET domain (IPR001214) of the encoded protein sequence. Three of five in-silico tools predict a benign effect of the variant on protein function. The variant allele was found at a frequency of 8e-06 in 251426 control chromosomes. The available data on variant occurrences in the general population are insufficient to allow any conclusion about variant significance. To our knowledge, no occurrence of c.4969C>A in individuals affected with Luscan-Lumish Syndrome and no experimental evidence demonstrating its impact on protein function have been reported. No submitters have cited clinical-significance assessments for this variant to ClinVar. Based on the evidence outlined above, the variant was classified as uncertain significance.

NM_014159.7(SETD2):c.4969C>A (p.Pro1657Thr)

Gene: SETD2 (SET domain containing 2, histone lysine methyltransferase; minus strand). Cytogenetic location: 3p21.31.
Variant type: single nucleotide variant.
Coding change: c.4969C>A on transcript NM_014159.7 (MANE Select); coding-DNA position 4969, C replaced by A.
Protein change: p.Pro1657Thr; replaces proline 1657 with threonine.
Molecular consequence: missense variant. On other transcripts: non-coding transcript variant (1).
Genome position (GRCh38, 1-based): chr3:47,101,504, G>T on the plus strand (C>A on the coding strand, the complement: SETD2 is on the minus strand). VCF-style: chr3-47101504-G-T. GRCh37 (hg19) VCF-style: chr3-47142994-G-T.
Other names: c.4837C>A, p.Pro1613Thr (NM_001349370.3); short protein forms P1613T, P1657T.
Identifiers: ClinVar variation 3629674 (VCV003629674.2).
Genomic context (GRCh38, chr3:47,101,504, plus strand): 5'-GAAACAATACTTACCCATATCTCTGGAACTGATAGTCAAACGTTAACTCTGAGCCTGAAG[G>T]AACCAGTTTGGTGGTAAAAAACCCAACCCTCAGTTGTCCGTTCACAGTCCACTGAGATGA-3'
Protein context (NP_054878.5, residues 1647-1667): RVGFFTTKLV[Pro1657Thr]SGSELTFDYQ